The following is an entry in ClinVar:

NM_001080467.3(MYO5B):c.5016C>T (p.Gly1672=)

Genes: MYO5B (myosin VB; minus strand), SNHG22 (small nucleolar RNA host gene 22; plus strand). Cytogenetic location: 18q21.1.
Variant type: single nucleotide variant.
Coding change: c.5016C>T on transcript NM_001080467.3 (MANE Select); coding-DNA position 5016, C replaced by T.
Protein change: p.Gly1672=; no amino-acid change (glycine 1672 retained).
Molecular consequence: synonymous variant.
Genome position (GRCh38, 1-based): chr18:49,837,639, G>A on the plus strand (C>T on the coding strand, the complement: MYO5B is on the minus strand). VCF-style: chr18-49837639-G-A. GRCh37 (hg19) VCF-style: chr18-47364009-G-A.
Identifiers: ClinVar variation 2648714 (VCV002648714.27), dbSNP rs149010847, ClinGen allele CA8960168.
Genomic context (GRCh38, chr18:49,837,639, plus strand): 5'-CACTGCGTTGATCATGTAGAAGAGCTGTTTGAATACCTGCAGGATGATCTCAGGGTCCAA[G>A]CCCTGGTCACACATGACTGTATGAAAGGCATTCATCTGGCGGATGATAGCTTCCAGGCAG-3'
Protein context (NP_001073936.1, residues 1662-1682): NAFHTVMCDQ[Gly1672=]LDPEIILQVF

ClinVar aggregate classification (germline): Likely benign. Review status: criteria provided, multiple submitters, no conflicts (2 of 4 stars). 2 submissions from 2 submitters: Likely benign (2). Last evaluated 2025-11-24.

Allele frequency attached by ClinVar (database versions not stated): ExAC 0.02403.

Submissions (2):

Labcorp Genetics (formerly Invitae), Labcorp
Classification: Likely benign. Last evaluated: 2025-11-24. Review status: criteria provided, single submitter. Criteria: Invitae Variant Classification Sherloc (09022015). Collection method: clinical testing. Allele origin: germline.

CeGaT Center for Human Genetics Tuebingen
Classification: Likely benign. Last evaluated: 2023-08-01. Review status: criteria provided, single submitter. Criteria: CeGaT Center For Human Genetics Tuebingen Variant Classification Criteria Version 2. Collection method: clinical testing. Allele origin: germline. Affected: yes. Observed: 1 variant allele.
Comment: MYO5B: BP4, BP7